The following is an entry in ClinVar:

NM_000038.6(APC):c.3394G>C (p.Glu1132Gln)

Gene: APC (APC regulator of WNT signaling pathway; plus strand). Cytogenetic location: 5q22.2.
Variant type: single nucleotide variant.
Coding change: c.3394G>C on transcript NM_000038.6 (MANE Select); coding-DNA position 3394, G replaced by C.
Protein change: p.Glu1132Gln; replaces glutamic acid 1132 with glutamine.
Molecular consequence: missense variant. On other transcripts: non-coding transcript variant (2).
Genome position (GRCh38, 1-based): chr5:112,838,988, G>C. VCF-style: chr5-112838988-G-C. GRCh37 (hg19) VCF-style: chr5-112174685-G-C.
Other names: c.3394G>C, p.Glu1132Gln (NM_001127510.3, NM_001354895.2, NM_001407450.1); c.3340G>C, p.Glu1114Gln (NM_001127511.3); c.3448G>C, p.Glu1150Gln (NM_001354896.2, NM_001407447.1, NM_001407448.1 and 1 more transcripts); c.3424G>C, p.Glu1142Gln (NM_001354897.2); c.3319G>C, p.Glu1107Gln (NM_001354898.2); c.3310G>C, p.Glu1104Gln (NM_001354899.2); c.3271G>C, p.Glu1091Gln (NM_001354900.2); c.3217G>C, p.Glu1073Gln (NM_001354901.2, NM_001407453.1); and 11 more; short protein forms E1003Q, E1006Q, E1031Q, E1041Q, E1049Q, E1073Q, E1091Q, E1104Q.
Identifiers: ClinVar variation 3386495 (VCV003386495.1).

ClinVar aggregate classification (germline): Uncertain significance (1 of 4 stars; one submission).

Conditions:
Classic or attenuated familial adenomatous polyposis. Identifiers: MedGen CN372698, MONDO:0021057.

Submission:

All of Us Research Program, National Institutes of Health
Classification: Uncertain significance for Classic or attenuated familial adenomatous polyposis. Last evaluated: 2024-04-16. Review status: criteria provided, single submitter. Criteria: ACMG Guidelines, 2015. Collection method: clinical testing. Allele origin: germline. Inheritance: Autosomal dominant inheritance. Observed: 1 variant allele, 1 heterozygote.
Comment: This missense variant replaces glutamic acid with glutamine at codon 1132 of the APC protein. Computational prediction suggests that this variant may not impact protein structure and function (internally defined REVEL score threshold <= 0.5, PMID: 27666373). To our knowledge, functional studies have not been reported for this variant. This variant has not been reported in individuals affected with APC-related disorders in the literature. This variant has not been identified in the general population by the Genome Aggregation Database (gnomAD). The available evidence is insufficient to determine the role of this variant in disease conclusively. Therefore, this variant is classified as a Variant of Uncertain Significance.

This study involves interpretation of variants in research participants for the purpose of population health screening. Participant phenotype was not available at the time of variant classification. Additional details can be found in publication PMID: 35346344, PMCID: PMC8962531